The following is an entry in ClinVar:

ClinVar aggregate classification (germline): Conflicting classifications of pathogenicity. Review status: criteria provided, conflicting classifications (1 of 4 stars). 2 submissions from 2 submitters: Uncertain significance (1); Likely benign (1). Last evaluated 2025-04-10.

Conditions:
Hereditary sensory and autonomic neuropathy type 7. Also called: Neuropathy, hereditary sensory and autonomic, type VII; HSAN VII. Identifiers: Orphanet 391397, MedGen C3809882, MONDO:0014244, OMIM 615548.
Familial episodic pain syndrome with predominantly lower limb involvement. Also called: Episodic pain syndrome, familial, 3. Identifiers: Orphanet 391384, Orphanet 391392, MedGen C3809899, MONDO:0014247, OMIM 615552.

Allele frequency attached by ClinVar (database versions not stated): gnomAD 0.00002 and 0.00003; TOPMed 0.00002; 1000 Genomes Project 30x 0.00016; 1000 Genomes Project 0.00020; gnomAD exomes 0.00003 and 0.00005; ExAC 0.00007; ESP Exome Variant Server 0.00008.
gnomAD v4.1: 57 of 1,613,762 alleles (0.0035%); highest among the groups gnomAD compares: South Asian, 0.02%; no homozygotes.

Submissions (2):

Labcorp Genetics (formerly Invitae), Labcorp
Classification: Uncertain significance for Familial episodic pain syndrome with predominantly lower limb involvement; Hereditary sensory and autonomic neuropathy type 7. Last evaluated: 2025-04-10. Review status: criteria provided, single submitter. Criteria: Invitae Variant Classification Sherloc (09022015). Collection method: clinical testing. Allele origin: germline.
Comment: This sequence change replaces proline, which is neutral and non-polar, with alanine, which is neutral and non-polar, at codon 7 of the SCN11A protein (p.Pro7Ala). This variant is present in population databases (rs372831672, gnomAD 0.05%). This variant has not been reported in the literature in individuals affected with SCN11A-related conditions. ClinVar contains an entry for this variant (Variation ID: 849567). An algorithm developed to predict the effect of missense changes on protein structure and function (PolyPhen-2) suggests that this variant is likely to be tolerated. In summary, the available evidence is currently insufficient to determine the role of this variant in disease. Therefore, it has been classified as a Variant of Uncertain Significance.

GeneDx
Classification: Likely benign. Last evaluated: 2021-06-22. Review status: criteria provided, single submitter. Criteria: GeneDx Variant Classification Process June 2021. Collection method: clinical testing. Allele origin: germline. Affected: yes.

NM_001349253.2(SCN11A):c.19C>G (p.Pro7Ala)

Gene: SCN11A (sodium voltage-gated channel alpha subunit 11; minus strand). Cytogenetic location: 3p22.2.
Variant type: single nucleotide variant.
Coding change: c.19C>G on transcript NM_001349253.2 (MANE Select); coding-DNA position 19, C replaced by G.
Protein change: p.Pro7Ala; replaces proline 7 with alanine.
Molecular consequence: missense variant.
Genome position (GRCh38, 1-based): chr3:38,950,344, G>C on the plus strand (C>G on the coding strand, the complement: SCN11A is on the minus strand). VCF-style: chr3-38950344-G-C. GRCh37 (hg19) VCF-style: chr3-38991835-G-C.
Other names: c.19C>G, p.Pro7Ala (NM_014139.3); short protein forms P7A.
Identifiers: ClinVar variation 849567 (VCV000849567.9), dbSNP rs372831672, ClinGen allele CA2322799.
Genomic context (GRCh38, chr3:38,950,344, plus strand): 5'-TTGCAGCCAGAGAGTCGGAAGTGAAGGGGCGGAAATTCCGCTCATCTGGAAAGATTACTG[G>C]GTAGCATCTGTCATCCATCTTCACCCTCAGGACAGAGACAAGCCACAGATCCTCAGAAAG-3'
Protein context (NP_001336182.1, residues 1-17): MDDRCY[Pro7Ala]VIFPDERNFR